The following is an entry in ClinVar:

ClinVar aggregate classification (germline): Benign (0 of 4 stars; one submission).

Conditions:
PHRF1-related disorder. Also called: PHRF1-related condition.

Allele frequency attached by ClinVar (database versions not stated): 1000 Genomes Project 0.00260; 1000 Genomes Project 30x 0.00328; ESP Exome Variant Server 0.00335; TOPMed 0.00450; ExAC 0.00504; gnomAD 0.00510; gnomAD exomes 0.00646.
gnomAD v4.1: 10,177 of 1,610,332 alleles (0.63%); highest among the groups gnomAD compares: East Asian, 0.95%; 41 homozygotes.

Submission:

PreventionGenetics, part of Exact Sciences
Classification: Benign for PHRF1-related condition. Last evaluated: 2020-05-13. Review status: no assertion criteria provided. Collection method: clinical testing. Allele origin: germline.
Comment: This variant is classified as benign based on ACMG/AMP sequence variant interpretation guidelines (Richards et al. 2015 PMID: 25741868, with internal and published modifications).

NM_001286581.2(PHRF1):c.2224G>A (p.Gly742Arg)

Gene: PHRF1 (PHD and ring finger domains 1; plus strand). Cytogenetic location: 11p15.5.
Variant type: single nucleotide variant.
Coding change: c.2224G>A on transcript NM_001286581.2 (MANE Select); coding-DNA position 2224, G replaced by A.
Protein change: p.Gly742Arg; replaces glycine 742 with arginine.
Molecular consequence: missense variant.
Genome position (GRCh38, 1-based): chr11:607,680, G>A. VCF-style: chr11-607680-G-A. GRCh37 (hg19) VCF-style: chr11-607680-G-A.
Other names: c.2218G>A, p.Gly740Arg (NM_001286582.2); c.2212G>A, p.Gly738Arg (NM_001286583.2); c.2221G>A, p.Gly741Arg (NM_020901.4); short protein forms G738R, G740R, G741R, G742R.
Identifiers: ClinVar variation 3042453 (VCV003042453.2), dbSNP rs113889171, ClinGen allele CA5782447.
Genomic context (GRCh38, chr11:607,680, plus strand): 5'-CAGCCAGGGCGAGGCACACGGGCAGAGAGCGAGGCCAGCAGCAGGGTGCCCCGGGAGCCC[G>A]GGGTGCACACGGGCAGCTCCCGGCCCCCAGCCCCCAGCTCCCATGGCAGTTTGGCCCCAC-3'
Protein context (NP_001273510.1, residues 732-752): EASSRVPREP[Gly742Arg]VHTGSSRPPA